The following is an entry in ClinVar:

NM_001145809.2(MYH14):c.3295+10C>T

Gene: MYH14 (myosin heavy chain 14; plus strand). Cytogenetic location: 19q13.33.
Variant type: single nucleotide variant.
Coding change: c.3295+10C>T on transcript NM_001145809.2 (MANE Select); 10 bases into the intron after coding-DNA position 3295, C replaced by T.
Molecular consequence: intron variant.
Genome position (GRCh38, 1-based): chr19:50,271,982, C>T. VCF-style: chr19-50271982-C-T. GRCh37 (hg19) VCF-style: chr19-50775239-C-T.
Other names: c.3295+10C>T (NM_001145809.1); c.3196+10C>T (NM_001077186.2); c.3172+10C>T (NM_024729.4).
Identifiers: ClinVar variation 1661999 (VCV001661999.10), dbSNP rs375601953, ClinGen allele CA9593170.

ClinVar aggregate classification (germline): Likely benign. Review status: criteria provided, single submitter (1 of 4 stars). 2 submissions from 2 submitters: Likely benign (1). 1 of the submissions does not count toward it. Last evaluated 2023-11-27.

Conditions:
MYH14-related disorder. Also called: MYH14-related condition.

Allele frequency attached by ClinVar (database versions not stated): ExAC 0.00001; gnomAD exomes 0.00002; TOPMed 0.00003; gnomAD 0.00004 and 0.00005; ESP Exome Variant Server 0.00008.

Submissions (2):

Labcorp Genetics (formerly Invitae), Labcorp
Classification: Likely benign. Last evaluated: 2023-11-27. Review status: criteria provided, single submitter. Criteria: Invitae Variant Classification Sherloc (09022015). Collection method: clinical testing. Allele origin: germline.

PreventionGenetics, part of Exact Sciences
Classification: Likely benign for MYH14-related condition. Last evaluated: 2019-02-21. Review status: no assertion criteria provided. Collection method: clinical testing. Allele origin: germline. Not counted in ClinVar's aggregate classification.
Comment: This variant is classified as likely benign based on ACMG/AMP sequence variant interpretation guidelines (Richards et al. 2015 PMID: 25741868, with internal and published modifications).